The following is an entry in ClinVar:

NM_177438.3(DICER1):c.3269+5G>T

Gene: DICER1 (dicer 1, ribonuclease III; minus strand). Cytogenetic location: 14q32.13.
Variant type: single nucleotide variant.
Coding change: c.3269+5G>T on transcript NM_177438.3 (MANE Select); 5 bases into the intron after coding-DNA position 3269, G replaced by T.
Molecular consequence: intron variant.
Genome position (GRCh38, 1-based): chr14:95,105,066, C>A on the plus strand (G>T on the coding strand, the complement: DICER1 is on the minus strand). VCF-style: chr14-95105066-C-A. GRCh37 (hg19) VCF-style: chr14-95571403-C-A.
Other names: c.3269+5G>T (NM_001291628.2, NM_030621.4, NM_001395677.1 and 12 more transcripts); c.2864+5G>T (NM_001395690.1, NM_001395687.1, NM_001395689.1 and 2 more transcripts); c.2987+5G>T (NM_001395686.1); c.2702+5G>T (NM_001395691.1); c.1586+5G>T (NM_001395697.1).
Identifiers: ClinVar variation 3229367 (VCV003229367.1), dbSNP rs2139985060, ClinGen allele CA2825002252.

ClinVar aggregate classification (germline): Uncertain significance (1 of 4 stars; one submission).

Conditions:
Hereditary cancer-predisposing syndrome. Also called: Neoplastic Syndromes, Hereditary; Tumor predisposition; Hereditary neoplastic syndrome; Hereditary Cancer Syndrome. Identifiers: Orphanet 140162, MedGen C0027672, MeSH D009386, MONDO:0015356.

Submission:

Ambry Genetics
Classification: Uncertain significance for Hereditary cancer-predisposing syndrome. Last evaluated: 2023-11-15. Review status: criteria provided, single submitter. Criteria: Ambry Variant Classification Scheme 2023. Collection method: clinical testing. Allele origin: germline.
Comment: The c.3269+5G>T intronic variant results from a G to T substitution 5 nucleotides after coding exon 19 in the DICER1 gene. This nucleotide position is highly conserved in available vertebrate species. In silico splice site analysis predicts that this alteration may weaken the native splice donor site. Since supporting evidence is limited at this time, the clinical significance of this alteration remains unclear.